The following is an entry in ClinVar:

NM_001371395.1(USP53):c.2927A>G (p.His976Arg)

Gene: USP53 (ubiquitin specific peptidase 53; plus strand). Cytogenetic location: 4q26.
Variant type: single nucleotide variant.
Coding change: c.2927A>G on transcript NM_001371395.1 (MANE Select); coding-DNA position 2927, A replaced by G.
Protein change: p.His976Arg; replaces histidine 976 with arginine.
Molecular consequence: missense variant. On other transcripts: 3 prime UTR variant (4).
Genome position (GRCh38, 1-based): chr4:119,292,916, A>G. VCF-style: chr4-119292916-A-G. GRCh37 (hg19) VCF-style: chr4-120214071-A-G.
Other names: c.2774A>G, p.His925Arg (NM_001371396.1, NM_001389661.1); c.*427A>G (NM_001371397.1, NM_001371398.1, NM_001389666.1 and 1 more transcripts); c.2927A>G, p.His976Arg (NM_001371399.1, NM_001389658.1, NM_001389659.1 and 1 more transcripts); c.2777A>G, p.His926Arg (NM_001389660.1); c.2579A>G, p.His860Arg (NM_001389662.1, NM_001389663.1, NM_001389664.1); c.2426A>G, p.His809Arg (NM_001389665.1); short protein forms H809R, H926R, H976R, H860R, H925R.
Identifiers: ClinVar variation 4772471 (VCV004772471.1).

ClinVar aggregate classification (germline): Uncertain significance (1 of 4 stars; one submission).

gnomAD v4.1: 1 of 1,614,136 alleles (0.000062%); highest among the groups gnomAD compares: East Asian, 0.0022%; no homozygotes.

Submission:

Labcorp Genetics (formerly Invitae), Labcorp
Classification: Uncertain significance. Last evaluated: 2025-11-12. Review status: criteria provided, single submitter. Criteria: Invitae Variant Classification Sherloc (09022015). Collection method: clinical testing. Allele origin: germline.
Comment: This sequence change replaces histidine, which is basic and polar, with arginine, which is basic and polar, at codon 976 of the USP53 protein (p.His976Arg). This variant is not present in population databases (gnomAD no frequency). This variant has not been reported in the literature in individuals affected with USP53-related conditions. An algorithm developed to predict the effect of missense changes on protein structure and function (PolyPhen-2) suggests that this variant is likely to be tolerated. In summary, the available evidence is currently insufficient to determine the role of this variant in disease. Therefore, it has been classified as a Variant of Uncertain Significance.